The following is an entry in ClinVar:

ClinVar aggregate classification (germline): Uncertain significance (1 of 4 stars; one submission).

Submission:

Ambry Genetics
Classification: Uncertain significance. Last evaluated: 2023-11-21. Review status: criteria provided, single submitter. Criteria: Ambry Variant Classification Scheme 2023. Collection method: clinical testing. Allele origin: germline.
Comment: The p.R769G variant (also known as c.2305A>G), located in coding exon 4 of the ALPK2 gene, results from an A to G substitution at nucleotide position 2305. The arginine at codon 769 is replaced by glycine, an amino acid with dissimilar properties. This amino acid position is conserved. In addition, this alteration is predicted to be tolerated by in silico analysis. Since supporting evidence is limited at this time, the clinical significance of this alteration remains unclear.

NM_052947.4(ALPK2):c.2305A>G (p.Arg769Gly)

Gene: ALPK2 (alpha kinase 2; minus strand). Cytogenetic location: 18q21.31.
Variant type: single nucleotide variant.
Coding change: c.2305A>G on transcript NM_052947.4 (MANE Select); coding-DNA position 2305, A replaced by G.
Protein change: p.Arg769Gly; replaces arginine 769 with glycine.
Molecular consequence: missense variant.
Genome position (GRCh38, 1-based): chr18:58,537,882, T>C on the plus strand (A>G on the coding strand, the complement: ALPK2 is on the minus strand). VCF-style: chr18-58537882-T-C. GRCh37 (hg19) VCF-style: chr18-56205114-T-C.
Other names: short protein forms R769G.
Identifiers: ClinVar variation 3228624 (VCV003228624.1), dbSNP rs2518877863, ClinGen allele CA402571049.
Genomic context (GRCh38, chr18:58,537,882, plus strand): 5'-CCAGGGTGAGGGCAGTATCTGTGGGTTCAGGGGAAGCAACAGAGACAGCCACAGGCTCCC[T>C]GAAGTCAGCACGAGCATCCTTGGGGAGATGCCTTGAGAACACACCTGGGGACATAGTCTC-3'
Protein context (NP_443179.3, residues 759-779): HLPKDARADF[Arg769Gly]EPVAVSVASP